The following is an entry in ClinVar:

NM_024496.4(IRF2BPL):c.366_373delinsACA (p.Gln124fs)

Gene: IRF2BPL (interferon regulatory factor 2 binding protein like; minus strand). Cytogenetic location: 14q24.3.
Variant type: Indel.
Coding change: c.366_373delinsACA on transcript NM_024496.4 (MANE Select); coding-DNA positions 366 to 373, GCAGCAGC replaced by ACA.
Protein change: p.Gln124fs; shifts the reading frame from glutamine 124.
Molecular consequence: frameshift variant.
Genome position (GRCh38, 1-based): chr14:77,027,420-77,027,427, GCTGCTGC replaced by TGT on the plus strand (GCAGCAGC replaced by ACA on the coding strand, the reverse complement: IRF2BPL is on the minus strand). VCF-style: chr14-77027420-GCTGCTGC-TGT. GRCh37 (hg19) VCF-style: chr14-77493763-GCTGCTGC-TGT.
Other names: short protein forms Q124fs.
Identifiers: ClinVar variation 4884829 (VCV004884829.1).
Genomic context (GRCh38, chr14:77,027,420, plus strand): 5'-CAGACGGGGCCGCCAGCACCGCAGGCTTGCTGGAACCATCAACGTGGTTGAGCTGTTGTT[GCTGCTGC>TGT]TGCTGCTGCTGCTGCTGCTGCTGTTGCTGCTGCTGCTGCTGCTGTTGCTGTTGCTGTTGC-3'

ClinVar aggregate classification (germline): Pathogenic (0 of 4 stars; one submission).

Conditions:
Neurodevelopmental disorder with regression, abnormal movements, loss of speech, and seizures. Identifiers: Orphanet 597623, MedGen C4748127, MONDO:0060759, OMIM 618088.

Submission:

Hong-Tao Li Lab, Institute of Brain Science and Brain-inspired Research, Shandong First Medical University & Shandong Academy of Medical Sciences China
Classification: Pathogenic for Neurodevelopmental disorder with regression, abnormal movements, loss of speech, and seizures. Review status: no assertion criteria provided. Collection method: research. Allele origin: germline. Inheritance: Autosomal dominant inheritance. Affected: yes. Observed: 1 variant allele, 1 heterozygote.
Comment: Observed in affected individuals from a Pakistani neurodevelopmental-disorder research cohort of 263 individuals. Classification assigned using the ACMG/AMP framework.